The following is an entry in ClinVar:

ClinVar aggregate classification (germline): Likely benign. Review status: criteria provided, multiple submitters, no conflicts (2 of 4 stars). 2 submissions from 2 submitters: Likely benign (2). Last evaluated 2026-05-01.

gnomAD v4.1: 99 of 1,536,428 alleles (0.0064%); highest among the groups gnomAD compares: Middle Eastern, 0.083%; 1 homozygote.

Submissions (2):

CeGaT Center for Human Genetics Tuebingen
Classification: Likely benign. Last evaluated: 2026-05-01. Review status: criteria provided, single submitter. Criteria: CeGaT Center For Human Genetics Tuebingen Variant Classification Criteria Version 2. Collection method: clinical testing. Allele origin: germline. Affected: yes. Observed: 1 variant allele.
Comment: WWOX: BP4

Blueprint Genetics
Classification: Likely benign. Last evaluated: 2023-03-02. Review status: criteria provided, single submitter. Criteria: ACMG Guidelines, 2015. Collection method: clinical testing. Allele origin: germline.

NM_016373.4(WWOX):c.*284C>G

Genes: MAF (MAF bZIP transcription factor; minus strand), WWOX (WW domain containing oxidoreductase; plus strand). Cytogenetic location: 16q23.2.
Variant type: single nucleotide variant.
Coding change: c.*284C>G on transcript NM_016373.4 (MANE Select); 284 bases downstream of the stop codon, C replaced by G.
Molecular consequence: 3 prime UTR variant.
Genome position (GRCh38, 1-based): chr16:79,212,080, C>G. VCF-style: chr16-79212080-C-G. GRCh37 (hg19) VCF-style: chr16-79245977-C-G.
Other names: c.*284C>G (NM_001291997.2).
Identifiers: ClinVar variation 4872086 (VCV004872086.3).